The following is an entry in ClinVar:

NM_004304.5(ALK):c.1637C>G (p.Ser546Cys)

Gene: ALK (ALK receptor tyrosine kinase; minus strand). Cytogenetic location: 2p23.2.
Variant type: single nucleotide variant.
Coding change: c.1637C>G on transcript NM_004304.5 (MANE Select); coding-DNA position 1637, C replaced by G.
Protein change: p.Ser546Cys; replaces serine 546 with cysteine.
Molecular consequence: missense variant.
Genome position (GRCh38, 1-based): chr2:29,318,314, G>C on the plus strand (C>G on the coding strand, the complement: ALK is on the minus strand). VCF-style: chr2-29318314-G-C. GRCh37 (hg19) VCF-style: chr2-29541180-G-C.
Other names: short protein forms S546C.
Identifiers: ClinVar variation 1011551 (VCV001011551.13), dbSNP rs1666893427, ClinGen allele CA346470832.

ClinVar aggregate classification (germline): Uncertain significance. Review status: criteria provided, multiple submitters, no conflicts (2 of 4 stars). 2 submissions from 2 submitters: Uncertain significance (2). Last evaluated 2025-05-15.

Conditions:
Hereditary cancer-predisposing syndrome. Also called: Hereditary Cancer Syndrome; Hereditary neoplastic syndrome; Tumor predisposition; Neoplastic Syndromes, Hereditary. Identifiers: Orphanet 140162, MedGen C0027672, MeSH D009386, MONDO:0015356.
Neuroblastoma, susceptibility to, 3. Also called: ALK-Related Neuroblastic Tumor Susceptibility. Identifiers: Orphanet 635, MedGen C2751681, MONDO:0013083, OMIM 613014.

Submissions (2):

Ambry Genetics
Classification: Uncertain significance for Hereditary cancer-predisposing syndrome. Last evaluated: 2025-05-15. Review status: criteria provided, single submitter. Criteria: Ambry Variant Classification Scheme 2023. Collection method: clinical testing. Allele origin: germline.
Comment: The p.S546C variant (also known as c.1637C>G), located in coding exon 8 of the ALK gene, results from a C to G substitution at nucleotide position 1637. The serine at codon 546 is replaced by cysteine, an amino acid with dissimilar properties. This amino acid position is conserved. In addition, this alteration is predicted to be tolerated by in silico analysis. Since supporting evidence is limited at this time, the clinical significance of this alteration remains unclear.

Labcorp Genetics (formerly Invitae), Labcorp
Classification: Uncertain significance for Neuroblastoma, susceptibility to, 3. Last evaluated: 2023-10-04. Review status: criteria provided, single submitter. Criteria: Invitae Variant Classification Sherloc (09022015). Collection method: clinical testing. Allele origin: germline.
Comment: This sequence change replaces serine, which is neutral and polar, with cysteine, which is neutral and slightly polar, at codon 546 of the ALK protein (p.Ser546Cys). This variant is not present in population databases (gnomAD no frequency). This variant has not been reported in the literature in individuals affected with ALK-related conditions. ClinVar contains an entry for this variant (Variation ID: 1011551). An algorithm developed to predict the effect of missense changes on protein structure and function (PolyPhen-2) suggests that this variant is likely to be disruptive. In summary, the available evidence is currently insufficient to determine the role of this variant in disease. Therefore, it has been classified as a Variant of Uncertain Significance.